The following is an entry in ClinVar:

ClinVar aggregate classification (germline): Uncertain significance (1 of 4 stars; one submission).

Conditions:
Cone-rod dystrophy 2 (CORD2). Also called: CONE-ROD RETINAL DYSTROPHY; Cone-rod retinal dystrophy 2. Identifiers: Orphanet 1872, MedGen C3489532, MONDO:0007362, OMIM 120970.
Leber congenital amaurosis 7 (LCA7). Identifiers: Orphanet 65, MedGen C3151192, MONDO:0013449, OMIM 613829.

gnomAD v4.1: 1 of 1,613,626 alleles (0.000062%); highest among the groups gnomAD compares: African/African-American, 0.0013%; no homozygotes.

Submission:

Labcorp Genetics (formerly Invitae), Labcorp
Classification: Uncertain significance for Cone-rod dystrophy 2; Leber congenital amaurosis 7. Last evaluated: 2022-08-10. Review status: criteria provided, single submitter. Criteria: Invitae Variant Classification Sherloc (09022015). Collection method: clinical testing. Allele origin: germline.
Comment: In summary, the available evidence is currently insufficient to determine the role of this variant in disease. Therefore, it has been classified as a Variant of Uncertain Significance. Algorithms developed to predict the effect of missense changes on protein structure and function (SIFT, PolyPhen-2, Align-GVGD) all suggest that this variant is likely to be disruptive. ClinVar contains an entry for this variant (Variation ID: 1481313). This variant has not been reported in the literature in individuals affected with CRX-related conditions. This variant is present in population databases (rs760080266, gnomAD 0.007%). This sequence change replaces glycine, which is neutral and non-polar, with arginine, which is basic and polar, at codon 148 of the CRX protein (p.Gly148Arg).

NM_000554.6(CRX):c.442G>C (p.Gly148Arg)

Gene: CRX (cone-rod homeobox; plus strand). Cytogenetic location: 19q13.33.
Variant type: single nucleotide variant.
Coding change: c.442G>C on transcript NM_000554.6 (MANE Select); coding-DNA position 442, G replaced by C.
Protein change: p.Gly148Arg; replaces glycine 148 with arginine.
Molecular consequence: missense variant.
Genome position (GRCh38, 1-based): chr19:47,839,509, G>C. VCF-style: chr19-47839509-G-C. GRCh37 (hg19) VCF-style: chr19-48342766-G-C.
Other names: short protein forms G148R.
Identifiers: ClinVar variation 1481313 (VCV001481313.8), dbSNP rs760080266, ClinGen allele CA9544493.